The following is an entry in ClinVar:

ClinVar aggregate classification (germline): Uncertain significance (1 of 4 stars; one submission).

Conditions:
Orthostatic hypotension 1 (ORTHYP1). Also called: Dopamine beta-hydroxylase deficiency; NORADRENALINE DEFICIENCY; NOREPINEPHRINE DEFICIENCY; Orthostatic hypotension 1, due to DBH deficiency. Identifiers: Orphanet 230, MedGen C4746777, MONDO:0009123, OMIM 223360.

Submission:

Labcorp Genetics (formerly Invitae), Labcorp
Classification: Uncertain significance for Orthostatic hypotension 1. Last evaluated: 2022-10-17. Review status: criteria provided, single submitter. Criteria: Invitae Variant Classification Sherloc (09022015). Collection method: clinical testing. Allele origin: germline.
Comment: Variants that disrupt the consensus splice site are a relatively common cause of aberrant splicing (PMID: 17576681, 9536098). Algorithms developed to predict the effect of sequence changes on RNA splicing suggest that this variant is not likely to affect RNA splicing. In summary, the available evidence is currently insufficient to determine the role of this variant in disease. Therefore, it has been classified as a Variant of Uncertain Significance. ClinVar contains an entry for this variant (Variation ID: 1384513). This variant has not been reported in the literature in individuals affected with DBH-related conditions. This variant is not present in population databases (gnomAD no frequency). This sequence change falls in intron 6 of the DBH gene. It does not directly change the encoded amino acid sequence of the DBH protein. It affects a nucleotide within the consensus splice site.

Literature cited by the submitters: PubMed 17576681; PubMed 9536098.

NM_000787.4(DBH):c.1191+6_1191+9del

Gene: DBH (dopamine beta-hydroxylase; plus strand). Cytogenetic location: 9q34.2.
Variant type: Deletion.
Coding change: c.1191+6_1191+9del on transcript NM_000787.4 (MANE Select); bases 6 to 9 of the intron after coding-DNA position 1191, 4 bases deleted (TGGG; older notation c.1191+6_1191+9delTGGG).
Molecular consequence: intron variant.
Genome position (GRCh38, 1-based): chr9:133,648,018-133,648,021, TGGG deleted; deleting any 4 consecutive bases within chr9:133,648,017-133,648,021 gives the same sequence; the c. name uses the placement nearest the transcript's 3' end. VCF-style (leftmost placement, unchanged base first): chr9-133648016-AGTGG-A. GRCh37 (hg19) VCF-style: chr9-136513138-AGTGG-A.
Identifiers: ClinVar variation 1384513 (VCV001384513.6), dbSNP rs2131288971, ClinGen allele CA2573144325.